The following is an entry in ClinVar:

NM_001039591.3(USP9X):c.595A>G (p.Ser199Gly)

Gene: USP9X (ubiquitin specific peptidase 9 X-linked; plus strand). Cytogenetic location: Xp11.4.
Variant type: single nucleotide variant.
Coding change: c.595A>G on transcript NM_001039591.3 (MANE Select); coding-DNA position 595, A replaced by G.
Protein change: p.Ser199Gly; replaces serine 199 with glycine.
Molecular consequence: missense variant.
Genome position (GRCh38, 1-based): chrX:41,136,963, A>G. VCF-style: chrX-41136963-A-G. GRCh37 (hg19) VCF-style: chrX-40996216-A-G.
Other names: c.595A>G, p.Ser199Gly (NM_001039590.3); short protein forms S199G.
Identifiers: ClinVar variation 721988 (VCV000721988.16), dbSNP rs184935757, ClinGen allele CA10388328.
Genomic context (GRCh38, chrX:41,136,963, plus strand): 5'-AATCCTCATTGCAAATTCCATATCTACAATGGTACACGTCCATGTGAATCAGTTTCCTCA[A>G]GTGTTCAGTTGCCTGAAGATGAACTCTTTGCTCGTTCTCCAGATCCTCGATCACCAAAGG-3'
Protein context (NP_001034680.2, residues 189-209): GTRPCESVSS[Ser199Gly]VQLPEDELFA

ClinVar aggregate classification (germline): Benign/Likely benign. Review status: criteria provided, multiple submitters, no conflicts (2 of 4 stars). 3 submissions from 3 submitters: Benign (2); Likely benign (1). Last evaluated 2026-09-01.

Allele frequency attached by ClinVar (database versions not stated): gnomAD 0.00008 and 0.00009; gnomAD exomes 0.00014 and 0.00072; TOPMed 0.00027; 1000 Genomes Project 30x 0.00042; ExAC 0.00047; 1000 Genomes Project 0.00053.

Submissions (5):

CeGaT Center for Human Genetics Tuebingen
Classification: Likely benign. Last evaluated: 2026-09-01. Review status: criteria provided, single submitter. Criteria: CeGaT Center For Human Genetics Tuebingen Variant Classification Criteria Version 2. Collection method: clinical testing. Allele origin: germline. Affected: yes. Observed: 3 variant alleles.
Comment: USP9X: BP4, BS2

Labcorp Genetics (formerly Invitae), Labcorp
Classification: Benign. Last evaluated: 2025-11-28. Review status: criteria provided, single submitter. Criteria: Invitae Variant Classification Sherloc (09022015). Collection method: clinical testing. Allele origin: germline.

GeneDx
Classification: Benign. Last evaluated: 2020-02-26. Review status: criteria provided, single submitter. Criteria: GeneDx Variant Classification Process June 2021. Collection method: clinical testing. Allele origin: germline. Affected: yes.

Dr. Peter K. Rogan Lab, Western University
No classification provided (evidence only). Condition: Thyroid cancer, nonmedullary, 1. Review status: no classification provided. Collection method: in vitro. Allele origin: not applicable. Functional consequence: retained intron. Not counted in ClinVar's aggregate classification.

Dr. Peter K. Rogan Lab, Western University
No classification provided (evidence only). Condition: Cervical cancer. Review status: no classification provided. Collection method: in vitro. Allele origin: not applicable. Functional consequence: skipped exon. Not counted in ClinVar's aggregate classification.